The following is an entry in ClinVar:

ClinVar aggregate classification (germline): Uncertain significance. Review status: criteria provided, multiple submitters, no conflicts (2 of 4 stars). 3 submissions from 3 submitters: Uncertain significance (3). Last evaluated 2025-07-22.

Conditions:
Polyps, multiple and recurrent inflammatory fibroid, gastrointestinal. Identifiers: MedGen C5193005, MONDO:0008285, OMIM 175510.
Hereditary cancer-predisposing syndrome. Also called: Hereditary Cancer Syndrome; Tumor predisposition; Neoplastic Syndromes, Hereditary; Hereditary neoplastic syndrome. Identifiers: Orphanet 140162, MedGen C0027672, MeSH D009386, MONDO:0015356.
Gastrointestinal stromal tumor. Also called: Gastrointestinal stromal tumor, somatic; Gastrointestinal stroma tumor. Identifiers: Orphanet 44890, MedGen C0238198, MeSH D046152, MONDO:0011719, OMIM 606764, HP:0100723.

Allele frequency attached by ClinVar (database versions not stated): gnomAD exomes below 0.00001; TOPMed below 0.00001; gnomAD 0.00001.
gnomAD v4.1: 9 of 1,614,100 alleles (0.00056%); highest among the groups gnomAD compares: Non-Finnish European, 0.00076%; no homozygotes.

Submissions (3):

Labcorp Genetics (formerly Invitae), Labcorp
Classification: Uncertain significance for Gastrointestinal stromal tumor. Last evaluated: 2025-07-22. Review status: criteria provided, single submitter. Criteria: Invitae Variant Classification Sherloc (09022015). Collection method: clinical testing. Allele origin: germline.
Comment: This sequence change replaces leucine, which is neutral and non-polar, with proline, which is neutral and non-polar, at codon 329 of the PDGFRA protein (p.Leu329Pro). This variant is present in population databases (no rsID available, gnomAD 0.0009%). This variant has not been reported in the literature in individuals affected with PDGFRA-related conditions. ClinVar contains an entry for this variant (Variation ID: 572635). Invitae Evidence Modeling of protein sequence and biophysical properties (such as structural, functional, and spatial information, amino acid conservation, physicochemical variation, residue mobility, and thermodynamic stability) indicates that this missense variant is not expected to disrupt PDGFRA protein function with a negative predictive value of 80%. In summary, the available evidence is currently insufficient to determine the role of this variant in disease. Therefore, it has been classified as a Variant of Uncertain Significance.

Ambry Genetics
Classification: Uncertain significance for Hereditary cancer-predisposing syndrome. Last evaluated: 2024-02-25. Review status: criteria provided, single submitter. Criteria: Ambry Variant Classification Scheme 2023. Collection method: clinical testing. Allele origin: germline.
Comment: The p.L329P variant (also known as c.986T>C), located in coding exon 6 of the PDGFRA gene, results from a T to C substitution at nucleotide position 986. The leucine at codon 329 is replaced by proline, an amino acid with similar properties. This amino acid position is conserved. In addition, this alteration is predicted to be deleterious by in silico analysis. Since supporting evidence is limited at this time, the clinical significance of this alteration remains unclear.

Baylor Genetics
Classification: Uncertain significance for Polyps, multiple and recurrent inflammatory fibroid, gastrointestinal. Last evaluated: 2023-10-19. Review status: criteria provided, single submitter. Criteria: ACMG Guidelines, 2015. Collection method: clinical testing. Allele origin: unknown.

NM_006206.6(PDGFRA):c.986T>C (p.Leu329Pro)

Gene: PDGFRA (platelet derived growth factor receptor alpha; plus strand). Cytogenetic location: 4q12.
Variant type: single nucleotide variant.
Coding change: c.986T>C on transcript NM_006206.6 (MANE Select); coding-DNA position 986, T replaced by C.
Protein change: p.Leu329Pro; replaces leucine 329 with proline.
Molecular consequence: missense variant.
Genome position (GRCh38, 1-based): chr4:54,267,606, T>C. VCF-style: chr4-54267606-T-C. GRCh37 (hg19) VCF-style: chr4-55133773-T-C.
Other names: c.986T>C, p.Leu329Pro (NM_001347827.2, NM_001347829.2); c.1061T>C, p.Leu354Pro (NM_001347828.2); c.1025T>C, p.Leu342Pro (NM_001347830.2); short protein forms L329P, L354P, L342P.
Identifiers: ClinVar variation 572635 (VCV000572635.12), dbSNP rs1162814935, ClinGen allele CA356891551.